The following is an entry in ClinVar:

NM_018136.5(ASPM):c.7939C>A (p.Leu2647Ile)

Gene: ASPM (assembly factor for spindle microtubules; minus strand). Cytogenetic location: 1q31.3.
Variant type: single nucleotide variant.
Coding change: c.7939C>A on transcript NM_018136.5 (MANE Select); coding-DNA position 7939, C replaced by A.
Protein change: p.Leu2647Ile; replaces leucine 2647 with isoleucine.
Molecular consequence: missense variant. On other transcripts: intron variant (1).
Genome position (GRCh38, 1-based): chr1:197,101,312, G>T on the plus strand (C>A on the coding strand, the complement: ASPM is on the minus strand). VCF-style: chr1-197101312-G-T. GRCh37 (hg19) VCF-style: chr1-197070442-G-T.
Other names: c.4066-5148C>A (NM_001206846.2); short protein forms L2647I.
Identifiers: ClinVar variation 21611 (VCV000021611.27), dbSNP rs3762271, ClinGen allele CA171267.
Genomic context (GRCh38, chr1:197,101,312, plus strand): 5'-GGGTACGCACTGCAGTTAGTTTTCTGTATCTTCTTTGAATAGAAACTACTGTTGCTCTAA[G>T]GTGGAGATAATGCTTCCTTATTTTAAAGGCTTTACAATGCTTCTGAATAATAATGGCAGC-3'
Protein context (NP_060606.3, residues 2637-2657): AFKIRKHYLH[Leu2647Ile]RATVVSIQRR

ClinVar aggregate classification (germline): Benign. Review status: criteria provided, multiple submitters, no conflicts (2 of 4 stars). 13 submissions from 13 submitters: Benign (9). 4 of the submissions do not count toward it. Last evaluated 2026-02-04.

Conditions:
Microcephaly 5, primary, autosomal recessive (MCPH5). Also called: ASPM Primary Microcephaly. Identifiers: Orphanet 2512, MedGen C1837501, MONDO:0012106, OMIM 608716.

Allele frequency attached by ClinVar (database versions not stated): gnomAD 0.30411 and 0.30399; ESP Exome Variant Server 0.32290; 1000 Genomes Project 30x 0.21159; 1000 Genomes Project 0.21426; TOPMed 0.28573.
gnomAD v4.1: 626,061 of 1,610,322 alleles (39%); highest among the groups gnomAD compares: Non-Finnish European, 43%; 129,579 homozygotes.

Submissions (13):

Labcorp Genetics (formerly Invitae), Labcorp
Classification: Benign. Last evaluated: 2026-02-04. Review status: criteria provided, single submitter. Criteria: Invitae Variant Classification Sherloc (09022015). Collection method: clinical testing. Allele origin: germline.

Blueprint Genetics
Classification: Benign. Last evaluated: 2024-11-26. Review status: criteria provided, single submitter. Criteria: ACMG Guidelines, 2015. Collection method: clinical testing. Allele origin: germline.

Genome-Nilou Lab
Classification: Benign for Microcephaly 5, primary, autosomal recessive. Last evaluated: 2021-07-14. Review status: criteria provided, single submitter. Criteria: ACMG Guidelines, 2015. Collection method: clinical testing. Allele origin: germline. Affected: no.

Illumina Laboratory Services, Illumina
Classification: Benign for Microcephaly 5, primary, autosomal recessive. Last evaluated: 2018-01-13. Review status: criteria provided, single submitter. Criteria: ICSL Variant Classification Criteria 13 December 2019. Collection method: clinical testing. Allele origin: germline.
Comment: This variant was observed in the ICSL laboratory as part of a predisposition screen in an ostensibly healthy population. It had not been previously curated by ICSL or reported in the Human Gene Mutation Database (HGMD: prior to June 1st, 2018), and was therefore a candidate for classification through an automated scoring system. Utilizing variant allele frequency, disease prevalence and penetrance estimates, and inheritance mode, an automated score was calculated to assess if this variant is too frequent to cause the disease. Based on the score and internal cut-off values, a variant classified as benign is not then subjected to further curation. The score for this variant resulted in a classification of benign for this disease.

Athena Diagnostics
Classification: Benign. Last evaluated: 2017-08-02. Review status: criteria provided, single submitter. Criteria: Athena Diagnostics Criteria. Collection method: clinical testing. Allele origin: germline.

GeneDx
Classification: Benign. Last evaluated: 2015-03-03. Review status: criteria provided, single submitter. Criteria: GeneDx Variant Classification Process June 2021. Collection method: clinical testing. Allele origin: germline. Affected: yes.

Genetic Services Laboratory, University of Chicago
Classification: Benign. Last evaluated: 2013-02-08. Review status: criteria provided, single submitter. Criteria: ACMG Guidelines, 2007. Collection method: clinical testing. Allele origin: germline. Inheritance: Autosomal recessive inheritance.

Breakthrough Genomics
Classification: Benign. Review status: criteria provided, single submitter. Criteria: ACMG Guidelines, 2015. Collection method: not provided. Allele origin: germline. Inheritance: Autosomal recessive inheritance. Affected: yes.

PreventionGenetics, part of Exact Sciences
Classification: Benign. Review status: criteria provided, single submitter. Criteria: ACMG Guidelines, 2015. Collection method: clinical testing. Allele origin: germline.

Clinical Genetics DNA and cytogenetics Diagnostics Lab, Erasmus MC, Erasmus Medical Center
Classification: Benign. Review status: no assertion criteria provided. Collection method: clinical testing. Allele origin: germline. Affected: yes. Study: VKGL Data-share Consensus. Not counted in ClinVar's aggregate classification.

Diagnostic Laboratory, Department of Genetics, University Medical Center Groningen
Classification: Benign for Microcephaly 5, primary, autosomal recessive. Review status: no assertion criteria provided. Collection method: clinical testing. Allele origin: germline. Affected: yes. Study: VKGL Data-share Consensus. Not counted in ClinVar's aggregate classification.

GeneReviews
No classification provided. Condition: Microcephaly 5, primary, autosomal recessive. Review status: no classification provided. Collection method: literature only. Allele origin: unknown. Not counted in ClinVar's aggregate classification.

Joint Genome Diagnostic Labs from Nijmegen and Maastricht, Radboudumc and MUMC+
Classification: Benign. Review status: no assertion criteria provided. Collection method: clinical testing. Allele origin: germline. Affected: yes. Study: VKGL Data-share Consensus. Not counted in ClinVar's aggregate classification.

Literature cited by the submitters: PubMed 20301772 (cited by GeneReviews); NCBI Bookshelf NBK9587 (cited by GeneReviews).